The following is an entry in ClinVar:

NM_006031.6(PCNT):c.6844G>A (p.Val2282Met)

Gene: PCNT (pericentrin; plus strand). Cytogenetic location: 21q22.3.
Variant type: single nucleotide variant.
Coding change: c.6844G>A on transcript NM_006031.6 (MANE Select); coding-DNA position 6844, G replaced by A.
Protein change: p.Val2282Met; replaces valine 2282 with methionine.
Molecular consequence: missense variant.
Genome position (GRCh38, 1-based): chr21:46,416,762, G>A. VCF-style: chr21-46416762-G-A. GRCh37 (hg19) VCF-style: chr21-47836676-G-A.
Other names: c.6490G>A, p.Val2164Met (NM_001315529.2); c.6844G>A (NM_006031.5); short protein forms V2164M, V2282M.
Identifiers: ClinVar variation 1511312 (VCV001511312.8), dbSNP rs747273657, ClinGen allele CA10080417.

ClinVar aggregate classification (germline): Uncertain significance. Review status: criteria provided, multiple submitters, no conflicts (2 of 4 stars). 3 submissions from 3 submitters: Uncertain significance (2). 1 of the submissions does not count toward it. Last evaluated 2025-11-19.

Conditions:
Inborn genetic diseases. Identifiers: MedGen C0950123, MeSH D030342.
PCNT-related disorder. Also called: PCNT-related condition.

Allele frequency attached by ClinVar (database versions not stated): gnomAD 0.00003 and 0.00005; TOPMed 0.00005; gnomAD exomes 0.00008; ExAC 0.00014.
gnomAD v4.1: 101 of 1,604,046 alleles (0.0063%); highest among the groups gnomAD compares: South Asian, 0.036%; no homozygotes.

Submissions (3):

Ambry Genetics
Classification: Uncertain significance for Inborn genetic diseases. Last evaluated: 2025-11-19. Review status: criteria provided, single submitter. Criteria: Ambry Variant Classification Scheme 2023. Collection method: clinical testing. Allele origin: germline.

Labcorp Genetics (formerly Invitae), Labcorp
Classification: Uncertain significance. Last evaluated: 2025-07-14. Review status: criteria provided, single submitter. Criteria: Invitae Variant Classification Sherloc (09022015). Collection method: clinical testing. Allele origin: germline.
Comment: This sequence change replaces valine, which is neutral and non-polar, with methionine, which is neutral and non-polar, at codon 2282 of the PCNT protein (p.Val2282Met). This variant is present in population databases (rs747273657, gnomAD 0.03%). This variant has not been reported in the literature in individuals affected with PCNT-related conditions. ClinVar contains an entry for this variant (Variation ID: 1511312). An algorithm developed to predict the effect of missense changes on protein structure and function outputs the following: PolyPhen-2: "Benign". The methionine amino acid residue is found in multiple mammalian species, which suggests that this missense change does not adversely affect protein function. In summary, the available evidence is currently insufficient to determine the role of this variant in disease. Therefore, it has been classified as a Variant of Uncertain Significance.

PreventionGenetics, part of Exact Sciences
Classification: Uncertain significance for PCNT-related condition. Last evaluated: 2024-07-09. Review status: no assertion criteria provided. Collection method: clinical testing. Allele origin: germline. Not counted in ClinVar's aggregate classification.
Comment: The PCNT c.6844G>A variant is predicted to result in the amino acid substitution p.Val2282Met. To our knowledge, this variant has not been reported in the literature. This variant is reported in 0.023% of alleles in individuals of South Asian descent in gnomAD. At this time, the clinical significance of this variant is uncertain due to the absence of conclusive functional and genetic evidence.